The following is an entry in ClinVar:

NM_032575.3(GLIS2):c.1240A>G (p.Asn414Asp)

Gene: GLIS2 (GLIS family zinc finger 2; plus strand). Cytogenetic location: 16p13.3.
Variant type: single nucleotide variant.
Coding change: c.1240A>G on transcript NM_032575.3 (MANE Select); coding-DNA position 1240, A replaced by G.
Protein change: p.Asn414Asp; replaces asparagine 414 with aspartic acid.
Molecular consequence: missense variant.
Genome position (GRCh38, 1-based): chr16:4,337,189, A>G. VCF-style: chr16-4337189-A-G. GRCh37 (hg19) VCF-style: chr16-4387190-A-G.
Other names: c.1240A>G, p.Asn414Asp (NM_001318918.2); short protein forms N414D.
Identifiers: ClinVar variation 2574764 (VCV002574764.2), dbSNP rs766960013, ClinGen allele CA7873220.

ClinVar aggregate classification (germline): Uncertain significance. Review status: criteria provided, multiple submitters, no conflicts (2 of 4 stars). 2 submissions from 2 submitters: Uncertain significance (2). Last evaluated 2025-12-30.

Conditions:
Nephronophthisis. Also called: Juvenile Nephronophthisis. Identifiers: Orphanet 655, MedGen C0687120, MONDO:0019005, HP:0000090.

Allele frequency attached by ClinVar (database versions not stated): gnomAD 0.00005; TOPMed 0.00005; ExAC 0.00007; gnomAD exomes 0.00007.
gnomAD v4.1: 106 of 1,545,194 alleles (0.0069%); highest among the groups gnomAD compares: Non-Finnish European, 0.0085%; no homozygotes.

Submissions (2):

Labcorp Genetics (formerly Invitae), Labcorp
Classification: Uncertain significance for Nephronophthisis. Last evaluated: 2025-12-30. Review status: criteria provided, single submitter. Criteria: Invitae Variant Classification Sherloc (09022015). Collection method: clinical testing. Allele origin: germline.
Comment: This sequence change replaces asparagine, which is neutral and polar, with aspartic acid, which is acidic and polar, at codon 414 of the GLIS2 protein (p.Asn414Asp). This variant is present in population databases (rs766960013, gnomAD 0.01%). This variant has not been reported in the literature in individuals affected with GLIS2-related conditions. ClinVar contains an entry for this variant (Variation ID: 2574764). Experimental studies and prediction algorithms are not available or were not evaluated, and the functional significance of this variant is currently unknown. In summary, the available evidence is currently insufficient to determine the role of this variant in disease. Therefore, it has been classified as a Variant of Uncertain Significance.

GeneDx
Classification: Uncertain significance. Last evaluated: 2023-02-07. Review status: criteria provided, single submitter. Criteria: GeneDx Variant Classification Process June 2021. Collection method: clinical testing. Allele origin: germline. Affected: yes.
Comment: In silico analysis supports that this missense variant does not alter protein structure/function; Has not been previously published as pathogenic or benign to our knowledge